The following is an entry in ClinVar:

ClinVar aggregate classification (germline): Pathogenic/Likely pathogenic. Review status: criteria provided, multiple submitters, no conflicts (2 of 4 stars). 3 submissions from 3 submitters: Pathogenic (1); Likely pathogenic (1). 1 of the submissions does not count toward it. Last evaluated 2024-10-25.

Conditions:
Familial dysautonomia. Also called: HSAN III; FD. Identifiers: Orphanet 1764, MedGen C0013364, MONDO:0009131, OMIM 223900. Disease mechanism: loss of function.

Submissions (3):

Natera, Inc.
Classification: Likely pathogenic for Familial dysautonomia. Last evaluated: 2024-10-25. Review status: criteria provided, single submitter. Criteria: Natera Variant Classification Schema (03/2026). Collection method: clinical testing. Allele origin: germline.
Comment: The c.97delG variant in ELP1 is a frameshift variant predicted to shift the reading frame beginning at codon 33 and leads to a stop codon 9 codons downstream. This variant is expected to result in nonsense mediated decay, truncation, or a dysfunctional protein product. This variant is rare in the general population with a frequency below the threshold expected for the associated phenotype(s). Given the available evidence, this variant is classified as Likely Pathogenic.

Labcorp Genetics (formerly Invitae), Labcorp
Classification: Pathogenic. Last evaluated: 2023-09-08. Review status: criteria provided, single submitter. Criteria: Invitae Variant Classification Sherloc (09022015). Collection method: clinical testing. Allele origin: germline.
Comment: For these reasons, this variant has been classified as Pathogenic. This sequence change creates a premature translational stop signal (p.Val33Cysfs*9) in the ELP1 gene. It is expected to result in an absent or disrupted protein product. Loss-of-function variants in ELP1 are known to be pathogenic (PMID: 18303054, 24173031). This variant is not present in population databases (gnomAD no frequency). This variant has not been reported in the literature in individuals affected with ELP1-related conditions. ClinVar contains an entry for this variant (Variation ID: 555432). Algorithms developed to predict the effect of sequence changes on RNA splicing suggest that this variant may disrupt the consensus splice site.

Counsyl
Classification: Likely pathogenic for Familial dysautonomia. Last evaluated: 2017-12-05. Review status: no assertion criteria provided. Collection method: clinical testing. Allele origin: unknown. Not counted in ClinVar's aggregate classification.

Literature cited by the submitters: PubMed 18303054 (cited by Labcorp Genetics (formerly Invitae), Labcorp); PubMed 24173031 (cited by Labcorp Genetics (formerly Invitae), Labcorp).

NM_003640.5(ELP1):c.97del (p.Val33fs)

Gene: ELP1 (elongator acetyltransferase complex subunit 1; minus strand). Cytogenetic location: 9q31.3.
Variant type: Deletion.
Coding change: c.97del on transcript NM_003640.5 (MANE Select); coding-DNA position 97, one base deleted (G; older notation c.97delG).
Protein change: p.Val33fs; shifts the reading frame from valine 33.
Molecular consequence: frameshift variant. On other transcripts: 5 prime UTR variant (2).
Genome position (GRCh38, 1-based): chr9:108,931,050, C deleted on the plus strand (G on the coding strand, the reverse complement: ELP1 is on the minus strand); the first of 2 consecutive C bases (chr9:108,931,050-108,931,051); deleting either gives the same sequence. VCF-style (leftmost placement, unchanged base first): chr9-108931049-AC-A. GRCh37 (hg19) VCF-style: chr9-111693329-AC-A.
Other names: c.97delG (NM_003640.4); c.97del (LRG_251t1); c.-246del (NM_001318360.2); c.-763del (NM_001330749.2); short protein forms V33fs.
Identifiers: ClinVar variation 555432 (VCV000555432.7), dbSNP rs1554703851, ClinGen allele CA658821153.
Genomic context (GRCh38, chr9:108,931,049, plus strand): 5'-TAACTTACTTCTCTTGAGACAGGGTCTACTTCTATCAGGCCATGTTCTGAACCAATGAGC[AC>A]CGTCCCCTGTTCAGTTCGGAGAGAGAAGCACTGAGGATTCCCTGGACCTTGAATATCCCT-3'